The following is an entry in ClinVar:

ClinVar aggregate classification (germline): Uncertain significance (1 of 4 stars; one submission).

Conditions:
Emery-Dreifuss muscular dystrophy 5, autosomal dominant (EDMD5). Also called: EMERY-DREIFUSS MUSCULAR DYSTROPHY 5. Identifiers: Orphanet 261, MedGen C2751805, MONDO:0013072, OMIM 612999.

Allele frequency attached by ClinVar (database versions not stated): gnomAD 0.00001; gnomAD exomes 0.00001; TOPMed 0.00001.
gnomAD v4.1: 5 of 1,613,882 alleles (0.00031%); highest among the groups gnomAD compares: Non-Finnish European, 0.00042%; no homozygotes.

Submission:

Labcorp Genetics (formerly Invitae), Labcorp
Classification: Uncertain significance for Emery-Dreifuss muscular dystrophy 5, autosomal dominant. Last evaluated: 2023-05-20. Review status: criteria provided, single submitter. Criteria: Invitae Variant Classification Sherloc (09022015). Collection method: clinical testing. Allele origin: germline.
Comment: An algorithm developed to predict the effect of missense changes on protein structure and function (PolyPhen-2) suggests that this variant is likely to be disruptive. In summary, the available evidence is currently insufficient to determine the role of this variant in disease. Therefore, it has been classified as a Variant of Uncertain Significance. This variant has not been reported in the literature in individuals affected with SYNE2-related conditions. This variant is not present in population databases (gnomAD no frequency). This sequence change replaces leucine, which is neutral and non-polar, with valine, which is neutral and non-polar, at codon 373 of the SYNE2 protein (p.Leu373Val).

NM_182914.3(SYNE2):c.1117C>G (p.Leu373Val)

Gene: SYNE2 (spectrin repeat containing nuclear envelope protein 2; plus strand). Cytogenetic location: 14q23.2.
Variant type: single nucleotide variant.
Coding change: c.1117C>G on transcript NM_182914.3 (MANE Select); coding-DNA position 1117, C replaced by G.
Protein change: p.Leu373Val; replaces leucine 373 with valine.
Molecular consequence: missense variant.
Genome position (GRCh38, 1-based): chr14:63,967,835, C>G. VCF-style: chr14-63967835-C-G. GRCh37 (hg19) VCF-style: chr14-64434553-C-G.
Other names: c.1117C>G, p.Leu373Val (NM_015180.6); short protein forms L373V.
Identifiers: ClinVar variation 2914099 (VCV002914099.3), dbSNP rs2096415518, ClinGen allele CA389951008.